The following is an entry in ClinVar:

ClinVar aggregate classification (germline): Likely pathogenic (1 of 4 stars; one submission).

Conditions:
Atypical hemolytic-uremic syndrome with I factor anomaly. Also called: HEMOLYTIC UREMIC SYNDROME, ATYPICAL, SUSCEPTIBILITY TO, 3; AHUS, SUSCEPTIBILITY TO, 3. Identifiers: Orphanet 2134, MedGen C2752039, MONDO:0013041, OMIM 612923.

gnomAD v4.1: 1 of 1,614,124 alleles (0.000062%); highest among the groups gnomAD compares: Non-Finnish European, 0.000085%; no homozygotes.

Submission:

MVZ Medizinische Genetik Mainz
Classification: Likely pathogenic for Atypical hemolytic-uremic syndrome with I factor anomaly. Last evaluated: 2026-01-20. Review status: criteria provided, single submitter. Criteria: UK Practice Guidelines For Variant Classification V4 01 2020. Collection method: clinical testing. Allele origin: germline. Inheritance: Autosomal dominant inheritance. Affected: yes. Observed: 1 variant allele.
Comment: ACMG Criteria: PM1_STR,PP3_MOD,PM2_SUP

NM_000204.5(CFI):c.796T>C (p.Cys266Arg)

Gene: CFI (complement factor I; minus strand). Cytogenetic location: 4q25.
Variant type: single nucleotide variant.
Coding change: c.796T>C on transcript NM_000204.5 (MANE Select); coding-DNA position 796, T replaced by C.
Protein change: p.Cys266Arg; replaces cysteine 266 with arginine.
Molecular consequence: missense variant. On other transcripts: non-coding transcript variant (3).
Genome position (GRCh38, 1-based): chr4:109,760,357, A>G on the plus strand (T>C on the coding strand, the complement: CFI is on the minus strand). VCF-style: chr4-109760357-A-G. GRCh37 (hg19) VCF-style: chr4-110681513-A-G.
Other names: c.796T>C, p.Cys266Arg (NM_001318057.2, NM_001331035.2, NM_001375278.1 and 10 more transcripts); c.187T>C, p.Cys63Arg (NM_001375284.1); short protein forms C266R, C63R.
Identifiers: ClinVar variation 4796780 (VCV004796780.1).